The following is an entry in ClinVar:

NM_130837.3(OPA1):c.1466T>C (p.Leu489Pro)

Gene: OPA1 (OPA1 mitochondrial dynamin like GTPase; plus strand). Cytogenetic location: 3q29.
Variant type: single nucleotide variant.
Coding change: c.1466T>C on transcript NM_130837.3 (MANE Select); coding-DNA position 1466, T replaced by C.
Protein change: p.Leu489Pro; replaces leucine 489 with proline.
Molecular consequence: missense variant.
Genome position (GRCh38, 1-based): chr3:193,643,616, T>C. VCF-style: chr3-193643616-T-C. GRCh37 (hg19) VCF-style: chr3-193361405-T-C.
Other names: c.932T>C, p.Leu311Pro (NM_001354663.2); c.929T>C, p.Leu310Pro (NM_001354664.2); c.1301T>C, p.Leu434Pro (NM_015560.3); c.1193T>C, p.Leu398Pro (NM_130831.3); c.1247T>C, p.Leu416Pro (NM_130832.3); c.1304T>C, p.Leu435Pro (NM_130833.3); c.1355T>C, p.Leu452Pro (NM_130834.3); c.1358T>C, p.Leu453Pro (NM_130835.3); and 1 more; short protein forms L434P, L489P, L416P, L398P, L471P, L435P, L452P, L310P.
Identifiers: ClinVar variation 432190 (VCV000432190.13), dbSNP rs1553877946, ClinGen allele CA355789650.

ClinVar aggregate classification (germline): Conflicting classifications of pathogenicity. Review status: criteria provided, conflicting classifications (1 of 4 stars). 6 submissions from 6 submitters: Pathogenic (1); Likely pathogenic (2); Uncertain significance (2). 1 of the submissions does not count toward it. Last evaluated 2025-11-17.

Conditions:
Auditory neuropathy spectrum disorder. Identifiers: MedGen C2732267.
OPA1-related disorder. Also called: OPA1-related condition; OPA1-related disorders.

Submissions (6):

Labcorp Genetics (formerly Invitae), Labcorp
Classification: Pathogenic. Last evaluated: 2025-11-17. Review status: criteria provided, single submitter. Criteria: Invitae Variant Classification Sherloc (09022015). Collection method: clinical testing. Allele origin: germline.
Comment: This sequence change replaces leucine, which is neutral and non-polar, with proline, which is neutral and non-polar, at codon 434 of the OPA1 protein (p.Leu434Pro). This variant is not present in population databases (gnomAD no frequency). This missense change has been observed in individuals with clinical features of OPA1-related conditions (PMID: 29952689, 34242285; internal data). This variant is also known as p.L489P. ClinVar contains an entry for this variant (Variation ID: 432190). Invitae Evidence Modeling of protein sequence and biophysical properties (such as structural, functional, and spatial information, amino acid conservation, physicochemical variation, residue mobility, and thermodynamic stability) indicates that this missense variant is expected to disrupt OPA1 protein function with a positive predictive value of 80%. This variant disrupts the p.Leu434 amino acid residue in OPA1. Other variant(s) that disrupt this residue have been determined to be pathogenic (PMID: 30201499). This suggests that this residue is clinically significant, and that variants that disrupt this residue are likely to be disease-causing. For these reasons, this variant has been classified as Pathogenic.

Athena Diagnostics
Classification: Uncertain significance. Last evaluated: 2021-08-05. Review status: criteria provided, single submitter. Criteria: Athena Diagnostics Criteria. Collection method: clinical testing. Allele origin: unknown.

Blueprint Genetics
Classification: Likely pathogenic for OPA1-related disorders. Last evaluated: 2020-01-30. Review status: criteria provided, single submitter. Criteria: ACMG Guidelines, 2015. Collection method: clinical testing. Allele origin: germline. Affected: yes. Observed: 1 variant allele.

Eurofins Ntd Llc (ga)
Classification: Uncertain significance. Last evaluated: 2016-11-15. Review status: criteria provided, single submitter. Criteria: EGL Classification Definitions 2015. Collection method: clinical testing. Allele origin: germline. Observed: 2 variant alleles, 2 heterozygotes.

GeneDx
Classification: Likely pathogenic. Last evaluated: 2016-06-10. Review status: criteria provided, single submitter. Criteria: GeneDx Variant Classification (06012015). Collection method: clinical testing. Allele origin: germline. Affected: yes.
Comment: The L434P variant has not been published as a pathogenic variant, nor has it been reported as a benign variant to our knowledge. The L434P variant was not observed in approximately 6500 individuals of European and African American ancestry in the NHLBI Exome Sequencing Project, indicating it is not a common benign variant in these populations. The L434P variant is a semi-conservative amino acid substitution, which may impact secondary protein structure as these residues differ in some properties. This substitution occurs at a position that is conserved across species. In silico analysis predicts this variant is probably damaging to the protein structure/function. Missense variants in nearby residues (N430D, I432V, C435Y, Q437R, D438G/A/V, G439V) have been reported in the Human Gene Mutation Database in association with optic atrophy 1, multiple mitochondrial DNA deletion disorder, optic atrophy with deafness, and optic atrophy with deafness and ataxia (Stenson et al., 2014), supporting the functional importance of this region of the protein. Therefore, this variant is likely pathogenic; however, the possibility that it is benign cannot be excluded.

Department of Otolaryngology, Head and Neck Surgery, Beijing Friendship Hospital, Capital Medical University
Classification: Likely pathogenic for Auditory neuropathy spectrum disorder. Last evaluated: 2021-11-13. Review status: no assertion criteria provided. Collection method: clinical testing. Allele origin: maternal. Inheritance: Autosomal dominant inheritance. Affected: yes. Not counted in ClinVar's aggregate classification.

Literature cited by the submitters: PubMed 29952689 (cited by Labcorp Genetics (formerly Invitae), Labcorp and Athena Diagnostics); PubMed 34242285 (cited by Labcorp Genetics (formerly Invitae), Labcorp and Athena Diagnostics); PubMed 30201499 (cited by Labcorp Genetics (formerly Invitae), Labcorp).